The following is an entry in ClinVar:

NM_177438.3(DICER1):c.-5G>C

Gene: DICER1 (dicer 1, ribonuclease III; minus strand). Cytogenetic location: 14q32.13.
Variant type: single nucleotide variant.
Coding change: c.-5G>C on transcript NM_177438.3 (MANE Select); 5 bases upstream of the start codon, G replaced by C.
Molecular consequence: 5 prime UTR variant. On other transcripts: non-coding transcript variant (6), intron variant (1).
Genome position (GRCh38, 1-based): chr14:95,133,463, C>G on the plus strand (G>C on the coding strand, the complement: DICER1 is on the minus strand). VCF-style: chr14-95133463-C-G. GRCh37 (hg19) VCF-style: chr14-95599800-C-G.
Other names: c.-5G>C (NM_001195573.1, NM_001271282.3, NM_001291628.2 and 15 more transcripts); c.-279G>C (NM_001395686.1, NM_001395688.1, NM_001395689.1 and 3 more transcripts); c.-463G>C (NM_001395691.1); c.-1573G>C (NM_001395697.1); c.-130-786G>C (NM_001395687.1).
Identifiers: ClinVar variation 3229444 (VCV003229444.1), dbSNP rs747383554, ClinGen allele CA2825002246.

ClinVar aggregate classification (germline): Uncertain significance (1 of 4 stars; one submission).

Conditions:
Hereditary cancer-predisposing syndrome. Also called: Neoplastic Syndromes, Hereditary; Tumor predisposition; Hereditary neoplastic syndrome; Hereditary Cancer Syndrome. Identifiers: Orphanet 140162, MedGen C0027672, MeSH D009386, MONDO:0015356.

Submission:

Ambry Genetics
Classification: Uncertain significance for Hereditary cancer-predisposing syndrome. Last evaluated: 2023-11-16. Review status: criteria provided, single submitter. Criteria: Ambry Variant Classification Scheme 2023. Collection method: clinical testing. Allele origin: germline.
Comment: The c.-5G>C variant is located in the 5' untranslated region (5&rsquo; UTR) of the DICER1 gene. This variant results from a G to C substitution 5 bases upstream from the first translated codon. This nucleotide position is highly conserved in available vertebrate species. Since supporting evidence is limited at this time, the clinical significance of this alteration remains unclear.